The following is an entry in ClinVar:

ClinVar aggregate classification (germline): Benign. Review status: criteria provided, multiple submitters, no conflicts (2 of 4 stars). 3 submissions from 3 submitters: Benign (3). Last evaluated 2026-02-04.

Conditions:
DOCK2 deficiency. Also called: Immunodeficiency 40. Identifiers: Orphanet 447737, MedGen C4225328, MONDO:0014637, OMIM 616433.

Allele frequency attached by ClinVar (database versions not stated): 1000 Genomes Project 0.16933; gnomAD 0.17156 and 0.17712; ExAC 0.11709; 1000 Genomes Project 30x 0.17442; TOPMed 0.18138; gnomAD exomes 0.11067; ESP Exome Variant Server 0.19514.
gnomAD v4.1: 190,015 of 1,612,618 alleles (12%); highest among the groups gnomAD compares: African/African-American, 36%; 13,785 homozygotes.

Submissions (3):

Labcorp Genetics (formerly Invitae), Labcorp
Classification: Benign for DOCK2 deficiency. Last evaluated: 2026-02-04. Review status: criteria provided, single submitter. Criteria: Invitae Variant Classification Sherloc (09022015). Collection method: clinical testing. Allele origin: germline.

Women's Health and Genetics/Laboratory Corporation of America, LabCorp
Classification: Benign. Last evaluated: 2026-01-21. Review status: criteria provided, single submitter. Criteria: LabCorp Variant Classification Summary - May 2015. Collection method: clinical testing. Allele origin: germline.

Mayo Clinic Laboratories, Mayo Clinic
Classification: Benign. Last evaluated: 2022-09-06. Review status: criteria provided, single submitter. Criteria: ACMG Guidelines, 2015. Collection method: clinical testing. Allele origin: germline. Observed: 4 variant alleles.

NM_004946.3(DOCK2):c.844-4C>A

Genes: DOCK2 (dedicator of cytokinesis 2; plus strand), LOC126807589 (BRD4-independent group 4 enhancer GRCh37_chr5:169122482-169123681; plus strand). Cytogenetic location: 5q35.1.
Variant type: single nucleotide variant.
Coding change: c.844-4C>A on transcript NM_004946.3 (MANE Select); 4 bases into the intron before coding-DNA position 844, C replaced by A.
Molecular consequence: intron variant.
Genome position (GRCh38, 1-based): chr5:169,695,799, C>A. VCF-style: chr5-169695799-C-A. GRCh37 (hg19) VCF-style: chr5-169122803-C-A.
Other names: p.?.
Identifiers: ClinVar variation 1165005 (VCV001165005.13), dbSNP rs3734099, ClinGen allele CA3553292.